The following is an entry in ClinVar:

ClinVar aggregate classification (germline): Likely pathogenic (1 of 4 stars; one submission).

Submission:

GeneDx
Classification: Likely pathogenic. Last evaluated: 2014-03-14. Review status: criteria provided, single submitter. Criteria: GeneDx Variant Classification (06012015). Collection method: clinical testing. Allele origin: germline. Affected: yes.
Comment: p.Leu808Trp (TTG>TGG): c.2423 T>G in exon 23 of the LRPPRC gene (NM_133259.3). The L808W variant not been published as a mutation, nor has it been reported as a benign polymorphism to our knowledge. The L808W variant is a semi-conservative amino acid substitution, which may impact secondary protein structure as these residues differ in some properties. This substitution occurs at a position that is highly conserved across species. In silico analysis predicts this variant is probably damaging to the protein structure/function. Therefore, this variant is a strong candidate for a pathogenic mutation, however the possibility that it is a benign variant cannot be excluded. The variant is found in MITONUC-MITOP panel(s).

NM_133259.4(LRPPRC):c.2423T>G (p.Leu808Trp)

Gene: LRPPRC (leucine rich pentatricopeptide repeat containing; minus strand). Cytogenetic location: 2p21.
Variant type: single nucleotide variant.
Coding change: c.2423T>G on transcript NM_133259.4 (MANE Select); coding-DNA position 2423, T replaced by G.
Protein change: p.Leu808Trp; replaces leucine 808 with tryptophan.
Molecular consequence: missense variant.
Genome position (GRCh38, 1-based): chr2:43,943,768, A>C on the plus strand (T>G on the coding strand, the complement: LRPPRC is on the minus strand). VCF-style: chr2-43943768-A-C. GRCh37 (hg19) VCF-style: chr2-44170907-A-C.
Other names: p.L808W:TTG>TGG; short protein forms L808W.
Identifiers: ClinVar variation 214613 (VCV000214613.2), dbSNP rs863224057, ClinGen allele CA322488.